The following is an entry in ClinVar:

NM_006892.4(DNMT3B):c.2188C>T (p.His730Tyr)

Gene: DNMT3B (DNA methyltransferase 3 beta; plus strand). Cytogenetic location: 20q11.21.
Variant type: single nucleotide variant.
Coding change: c.2188C>T on transcript NM_006892.4 (MANE Select); coding-DNA position 2188, C replaced by T.
Protein change: p.His730Tyr; replaces histidine 730 with tyrosine.
Molecular consequence: missense variant.
Genome position (GRCh38, 1-based): chr20:32,802,427, C>T. VCF-style: chr20-32802427-C-T. GRCh37 (hg19) VCF-style: chr20-31390233-C-T.
Other names: c.2002C>T, p.His668Tyr (NM_001207055.2, NM_001424354.1, NM_001424357.1); c.1900C>T, p.His634Tyr (NM_001207056.2); c.2188C>T, p.His730Tyr (NM_001424351.1, NM_001424355.1); c.2062C>T, p.His688Tyr (NM_001424352.1, NM_001424356.1, NM_001424358.1); c.2128C>T, p.His710Tyr (NM_001424353.1, NM_175848.2, NM_175849.2); c.2164C>T, p.His722Tyr (NM_001424359.1, NM_175850.3); c.2038C>T, p.His680Tyr (NM_001424360.1); short protein forms H634Y, H668Y, H680Y, H688Y, H710Y, H722Y, H730Y.
Identifiers: ClinVar variation 3619201 (VCV003619201.2).

ClinVar aggregate classification (germline): Uncertain significance (1 of 4 stars; one submission).

Conditions:
Centromeric instability of chromosomes 1,9 and 16 and immunodeficiency (ICF1). Also called: Immunodeficiency-centromeric instability-facial anomalies; CENTROMERIC INSTABILITY, IMMUNODEFICIENCY SYNDROME; IMMUNE DEFICIENCY, VARIABLE, WITH CENTROMERIC INSTABILITY OF CHROMOSOMES 1, 9, AND 16; IMMUNODEFICIENCY SYNDROME, VARIABLE. Identifiers: Orphanet 2268, MedGen C0398788, MONDO:0000133.

gnomAD v4.1: 1 of 1,614,198 alleles (0.000062%); highest among the groups gnomAD compares: Admixed American, 0.0017%; no homozygotes.

Submission:

Labcorp Genetics (formerly Invitae), Labcorp
Classification: Uncertain significance for Centromeric instability of chromosomes 1,9 and 16 and immunodeficiency. Last evaluated: 2024-03-11. Review status: criteria provided, single submitter. Criteria: Invitae Variant Classification Sherloc (09022015). Collection method: clinical testing. Allele origin: germline.
Comment: This sequence change replaces histidine, which is basic and polar, with tyrosine, which is neutral and polar, at codon 730 of the DNMT3B protein (p.His730Tyr). This variant is present in population databases (no rsID available, gnomAD 0.003%). This variant has not been reported in the literature in individuals affected with DNMT3B-related conditions. Advanced modeling of protein sequence and biophysical properties (such as structural, functional, and spatial information, amino acid conservation, physicochemical variation, residue mobility, and thermodynamic stability) has been performed at Invitae for this missense variant, however the output from this modeling did not meet the statistical confidence thresholds required to predict the impact of this variant on DNMT3B protein function. In summary, the available evidence is currently insufficient to determine the role of this variant in disease. Therefore, it has been classified as a Variant of Uncertain Significance.